The following is an entry in ClinVar:

ClinVar aggregate classification (germline): Uncertain significance (1 of 4 stars; one submission).

Conditions:
Autosomal recessive limb-girdle muscular dystrophy type 2J (LGMDR10). Also called: MUSCULAR DYSTROPHY, LIMB-GIRDLE, AUTOSOMAL RECESSIVE 10; Limb-girdle muscular dystrophy, type 2J. Identifiers: Orphanet 140922, MedGen C1837342, MONDO:0012127, OMIM 608807.
Dilated cardiomyopathy 1G (CMD1G). Identifiers: Orphanet 154, MedGen C1858763, MONDO:0011400, OMIM 604145.

Allele frequency attached by ClinVar (database versions not stated): TOPMed below 0.00001; gnomAD 0.00001.
gnomAD v4.1: 1 of 1,613,760 alleles (0.000062%); highest among the groups gnomAD compares: Non-Finnish European, 0.000085%; no homozygotes.

Submission:

Labcorp Genetics (formerly Invitae), Labcorp
Classification: Uncertain significance for Dilated cardiomyopathy 1G; Autosomal recessive limb-girdle muscular dystrophy type 2J. Last evaluated: 2026-01-07. Review status: criteria provided, single submitter. Criteria: Invitae Variant Classification Sherloc (09022015). Collection method: clinical testing. Allele origin: germline.
Comment: This sequence change replaces tyrosine, which is neutral and polar, with cysteine, which is neutral and slightly polar, at codon 34032 of the TTN protein (p.Tyr34032Cys). This variant is not present in population databases (gnomAD no frequency). This variant has not been reported in the literature in individuals affected with TTN-related conditions. ClinVar contains an entry for this variant (Variation ID: 1407058). Experimental studies and prediction algorithms are not available or were not evaluated, and the functional significance of this variant is currently unknown. This variant is located in the M band of TTN (PMID: 25589632). Non-truncating variants in this region may be relevant for neuromuscular disorders, but have not been definitively shown to cause cardiomyopathy (PMID: 23975875). In summary, the available evidence is currently insufficient to determine the role of this variant in disease. Therefore, it has been classified as a Variant of Uncertain Significance.

Literature cited by the submitters: PubMed 25589632; PubMed 23975875.

NM_001267550.2(TTN):c.102095A>G (p.Tyr34032Cys)

Genes: TTN-AS1 (TTN antisense RNA 1; plus strand), TTN (titin; minus strand). Cytogenetic location: 2q31.2.
Variant type: single nucleotide variant.
Coding change: c.102095A>G on transcript NM_001267550.2 (MANE Select); coding-DNA position 102095, A replaced by G.
Protein change: p.Tyr34032Cys; replaces tyrosine 34032 with cysteine.
Molecular consequence: missense variant.
Genome position (GRCh38, 1-based): chr2:178,534,520, T>C on the plus strand (A>G on the coding strand, the complement: TTN is on the minus strand). VCF-style: chr2-178534520-T-C. GRCh37 (hg19) VCF-style: chr2-179399247-T-C.
Other names: c.97172A>G, p.Tyr32391Cys (NM_001256850.1); c.74900A>G, p.Tyr24967Cys (NM_003319.4); c.94391A>G, p.Tyr31464Cys (NM_133378.4); c.75275A>G, p.Tyr25092Cys (NM_133432.3); c.75476A>G, p.Tyr25159Cys (NM_133437.4); short protein forms Y25159C, Y32391C, Y34032C, Y25092C, Y24967C, Y31464C.
Identifiers: ClinVar variation 1407058 (VCV001407058.6), dbSNP rs1160872040, ClinGen allele CA349418374.